The following is an entry in ClinVar:

ClinVar aggregate classification (germline): Uncertain significance (1 of 4 stars; one submission).

Conditions:
Leukodystrophy, hypomyelinating, 6. Also called: TUBB4A-Associated Leukodystrophy; LEUKODYSTROPHY, HYPOMYELINATING, WITH ATROPHY OF THE BASAL GANGLIA AND CEREBELLUM; Hypomyelination with Atrophy of Basal Ganglia and Cerebellum (H-ABC). Identifiers: Orphanet 139441, MedGen C2676244, MONDO:0012905, OMIM 612438.

Allele frequency attached by ClinVar (database versions not stated): gnomAD exomes 0.00001.
gnomAD v4.1: 5 of 1,614,142 alleles (0.00031%); highest among the groups gnomAD compares: Admixed American, 0.0017%; no homozygotes.

Submission:

Labcorp Genetics (formerly Invitae), Labcorp
Classification: Uncertain significance for Leukodystrophy, hypomyelinating, 6. Last evaluated: 2022-08-16. Review status: criteria provided, single submitter. Criteria: Invitae Variant Classification Sherloc (09022015). Collection method: clinical testing. Allele origin: germline.
Comment: ClinVar contains an entry for this variant (Variation ID: 1385578). This variant has not been reported in the literature in individuals affected with TUBB4A-related conditions. This variant is not present in population databases (gnomAD no frequency). This sequence change replaces arginine, which is basic and polar, with cysteine, which is neutral and slightly polar, at codon 320 of the TUBB4A protein (p.Arg320Cys). Algorithms developed to predict the effect of missense changes on protein structure and function are either unavailable or do not agree on the potential impact of this missense change (SIFT: "Deleterious"; PolyPhen-2: "Possibly Damaging"; Align-GVGD: "Class C0"). In summary, the available evidence is currently insufficient to determine the role of this variant in disease. Therefore, it has been classified as a Variant of Uncertain Significance.

NM_006087.4(TUBB4A):c.958C>T (p.Arg320Cys)

Gene: TUBB4A (tubulin beta 4A class IVa; minus strand). Cytogenetic location: 19p13.3.
Variant type: single nucleotide variant.
Coding change: c.958C>T on transcript NM_006087.4 (MANE Select); coding-DNA position 958, C replaced by T.
Protein change: p.Arg320Cys; replaces arginine 320 with cysteine.
Molecular consequence: missense variant.
Genome position (GRCh38, 1-based): chr19:6,495,541, G>A on the plus strand (C>T on the coding strand, the complement: TUBB4A is on the minus strand). VCF-style: chr19-6495541-G-A. GRCh37 (hg19) VCF-style: chr19-6495552-G-A.
Other names: c.1111C>T, p.Arg371Cys (NM_001289123.2); c.1093C>T, p.Arg365Cys (NM_001289127.2); c.958C>T, p.Arg320Cys (NM_001289129.2); c.742C>T, p.Arg248Cys (NM_001289130.2, NM_001289131.2); short protein forms R371C, R248C, R320C, R365C.
Identifiers: ClinVar variation 1385578 (VCV001385578.8), dbSNP rs1914108021, ClinGen allele CA403590242.